The following is an entry in ClinVar:

ClinVar aggregate classification (germline): Uncertain significance. Review status: criteria provided, multiple submitters, no conflicts (2 of 4 stars). 7 submissions from 5 submitters: Uncertain significance (7). Last evaluated 2026-03-02.

Conditions:
Hereditary spastic paraplegia 11. Also called: Nakamura Osame syndrome; Autosomal recessive hereditary spastic paraplegia, mental impairment, and thin corpus callosum; Spastic paraplegia, mental retardation and thin corpus callosum; SPASTIC PARAPLEGIA, AUTOSOMAL RECESSIVE, COMPLICATED, WITH THIN CORPUS CALLOSUM; SPASTIC PARAPLEGIA, AUTOSOMAL RECESSIVE, WITH MENTAL IMPAIRMENT AND THIN CORPUS CALLOSUM; Spastic Paraplegia 11. Identifiers: Orphanet 2822, MedGen C1858479, MONDO:0011445, OMIM 604360.
SPG11-related disorder. Also called: SPG11-related condition.
Charcot-Marie-Tooth disease axonal type 2X. Also called: CHARCOT-MARIE-TOOTH DISEASE, AXONAL, AUTOSOMAL RECESSIVE, TYPE 2X; CHARCOT-MARIE-TOOTH NEUROPATHY, TYPE 2X. Identifiers: Orphanet 466775, MedGen C5569024, MONDO:0014726, OMIM 616668.
Inborn genetic diseases. Identifiers: MedGen C0950123, MeSH D030342.
Amyotrophic lateral sclerosis type 5 (ALS5). Also called: AMYOTROPHIC LATERAL SCLEROSIS 5, JUVENILE. Identifiers: Orphanet 300605, MedGen C1865864, MONDO:0011196, OMIM 602099.

Allele frequency attached by ClinVar (database versions not stated): ExAC 0.00005; ESP Exome Variant Server 0.00008; gnomAD exomes 0.00011; TOPMed 0.00011; gnomAD 0.00019 and 0.00021.
gnomAD v4.1: 177 of 1,595,824 alleles (0.011%); highest among the groups gnomAD compares: Admixed American, 0.065%; 1 homozygote.

Submissions (7):

PreventionGenetics, part of Exact Sciences
Classification: Uncertain significance for SPG11-related condition. Last evaluated: 2026-03-02. Review status: criteria provided, single submitter. Criteria: ACMG Guidelines, 2015. Collection method: clinical testing. Allele origin: germline.
Comment: The SPG11 c.28G>A variant is predicted to result in the amino acid substitution p.Ala10Thr. To our knowledge, this variant has not been reported in the literature. This variant is reported in 0.031% of alleles in individuals of Latino descent in gnomAD v2. However, in gnomAD v4 (available only on GRCh38), this variant is reported in 0.065 % of alleles in individuals of Admixed American descent, including 1 homozygote, which is significantly more common than other known pathogenic SPG11 variants. Although we suspect that this variant may be benign, at this time, the clinical significance of this variant is uncertain due to the absence of conclusive functional and genetic evidence.

Labcorp Genetics (formerly Invitae), Labcorp
Classification: Uncertain significance for Hereditary spastic paraplegia 11. Last evaluated: 2022-10-05. Review status: criteria provided, single submitter. Criteria: Invitae Variant Classification Sherloc (09022015). Collection method: clinical testing. Allele origin: germline.
Comment: This sequence change replaces alanine, which is neutral and non-polar, with threonine, which is neutral and polar, at codon 10 of the SPG11 protein (p.Ala10Thr). This variant is present in population databases (rs372658867, gnomAD 0.03%), including at least one homozygous and/or hemizygous individual. This variant has not been reported in the literature in individuals affected with SPG11-related conditions. ClinVar contains an entry for this variant (Variation ID: 580646). Algorithms developed to predict the effect of missense changes on protein structure and function are either unavailable or do not agree on the potential impact of this missense change (SIFT: "Tolerated"; PolyPhen-2: "Not Available"; Align-GVGD: "Class C0"). In summary, the available evidence is currently insufficient to determine the role of this variant in disease. Therefore, it has been classified as a Variant of Uncertain Significance.

Ambry Genetics
Classification: Uncertain significance for Inborn genetic diseases. Last evaluated: 2021-09-16. Review status: criteria provided, single submitter. Criteria: Ambry Variant Classification Scheme 2023. Collection method: clinical testing. Allele origin: germline.

Athena Diagnostics
Classification: Uncertain significance. Last evaluated: 2019-10-31. Review status: criteria provided, single submitter. Criteria: Athena Diagnostics Criteria. Collection method: clinical testing. Allele origin: unknown.

Genome-Nilou Lab
Classification: Uncertain significance for Amyotrophic lateral sclerosis type 5. Review status: criteria provided, single submitter. Criteria: ACMG Guidelines, 2015. Collection method: clinical testing. Allele origin: germline.

Genome-Nilou Lab
Classification: Uncertain significance for Charcot-Marie-Tooth disease axonal type 2X. Review status: criteria provided, single submitter. Criteria: ACMG Guidelines, 2015. Collection method: clinical testing. Allele origin: germline.

Genome-Nilou Lab
Classification: Uncertain significance for Hereditary spastic paraplegia 11. Review status: criteria provided, single submitter. Criteria: ACMG Guidelines, 2015. Collection method: clinical testing. Allele origin: germline.

NM_025137.4(SPG11):c.28G>A (p.Ala10Thr)

Gene: SPG11 (SPG11 vesicle trafficking associated, spatacsin; minus strand). Cytogenetic location: 15q21.1.
Variant type: single nucleotide variant.
Coding change: c.28G>A on transcript NM_025137.4 (MANE Select); coding-DNA position 28, G replaced by A.
Protein change: p.Ala10Thr; replaces alanine 10 with threonine.
Molecular consequence: missense variant.
Genome position (GRCh38, 1-based): chr15:44,663,620, C>T on the plus strand (G>A on the coding strand, the complement: SPG11 is on the minus strand). VCF-style: chr15-44663620-C-T. GRCh37 (hg19) VCF-style: chr15-44955818-C-T.
Other names: c.28G>A, p.Ala10Thr (NM_001160227.2); short protein forms A10T.
Identifiers: ClinVar variation 580646 (VCV000580646.10), dbSNP rs372658867, ClinGen allele CA7535977.
Genomic context (GRCh38, chr15:44,663,620, plus strand): 5'-ACAGCATCGGTAGAACCCGCCCCATGGCCGCGGTGCCCCAGCTACCGCCGGCGGAAGCAG[C>T]ACTCGCGACCCCTTCCTCTGCAGCCATCTTGGCCCGGCGGTTACTTCCGGTCACTTTCGC-3'
Protein context (NP_079413.3, residues 1-20): MAAEEGVAS[Ala10Thr]ASAGGSWGTA